The following is an entry in ClinVar:

NM_018941.4(CLN8):c.284A>G (p.Lys95Arg)

Gene: CLN8 (CLN8 transmembrane ER and ERGIC protein; plus strand). Cytogenetic location: 8p23.3.
Variant type: single nucleotide variant.
Coding change: c.284A>G on transcript NM_018941.4 (MANE Select); coding-DNA position 284, A replaced by G.
Protein change: p.Lys95Arg; replaces lysine 95 with arginine.
Molecular consequence: missense variant.
Genome position (GRCh38, 1-based): chr8:1,771,338, A>G. VCF-style: chr8-1771338-A-G. GRCh37 (hg19) VCF-style: chr8-1719504-A-G.
Other names: short protein forms K95R.
Identifiers: ClinVar variation 650038 (VCV000650038.7), dbSNP rs1432496931, ClinGen allele CA369953237.

ClinVar aggregate classification (germline): Uncertain significance. Review status: criteria provided, single submitter (1 of 4 stars). 2 submissions from 2 submitters: Uncertain significance (1). 1 of the submissions does not count toward it. Last evaluated 2024-12-16.

Conditions:
Neuronal ceroid lipofuscinosis. Also called: Neuronal Ceroid Lipofuscinoses. Identifiers: Orphanet 216, Orphanet 79263, MedGen C0027877, MONDO:0016295. Disease mechanism: loss of function.
Neuronal ceroid lipofuscinosis 8 (CLN8). Also called: CLN8-Related Neuronal Ceroid-Lipofuscinosis. Identifiers: Orphanet 168491, Orphanet 228354, Orphanet 79264, MedGen C1838570, MONDO:0010830, OMIM 600143.

Allele frequency attached by ClinVar (database versions not stated): gnomAD exomes 0.00001; gnomAD 0.00002; TOPMed 0.00004.
gnomAD v4.1: 14 of 1,614,100 alleles (0.00087%); highest among the groups gnomAD compares: African/African-American, 0.0093%; no homozygotes.

Submissions (2):

Labcorp Genetics (formerly Invitae), Labcorp
Classification: Uncertain significance for Neuronal ceroid lipofuscinosis. Last evaluated: 2024-12-16. Review status: criteria provided, single submitter. Criteria: Invitae Variant Classification Sherloc (09022015). Collection method: clinical testing. Allele origin: germline.
Comment: This sequence change replaces lysine, which is basic and polar, with arginine, which is basic and polar, at codon 95 of the CLN8 protein (p.Lys95Arg). This variant is present in population databases (no rsID available, gnomAD 0.006%). This variant has not been reported in the literature in individuals affected with CLN8-related conditions. ClinVar contains an entry for this variant (Variation ID: 650038). Invitae Evidence Modeling of protein sequence and biophysical properties (such as structural, functional, and spatial information, amino acid conservation, physicochemical variation, residue mobility, and thermodynamic stability) indicates that this missense variant is not expected to disrupt CLN8 protein function with a negative predictive value of 95%. In summary, the available evidence is currently insufficient to determine the role of this variant in disease. Therefore, it has been classified as a Variant of Uncertain Significance.

Natera, Inc.
Classification: Uncertain significance for Neuronal ceroid lipofuscinosis 8. Last evaluated: 2020-07-30. Review status: no assertion criteria provided. Collection method: clinical testing. Allele origin: germline. Not counted in ClinVar's aggregate classification.